The following is an entry in ClinVar:

ClinVar aggregate classification (germline): Uncertain significance. Review status: criteria provided, multiple submitters, no conflicts (2 of 4 stars). 2 submissions from 2 submitters: Uncertain significance (2). Last evaluated 2021-10-23.

Conditions:
Deficiency of steroid 11-beta-monooxygenase (CYP11B1). Also called: P450C11B1 DEFICIENCY; STEROID 11-BETA-HYDROXYLASE DEFICIENCY; Congenital adrenal hyperplasia due to 11-beta-hydroxylase deficiency; ADRENAL HYPERPLASIA IV; ADRENAL HYPERPLASIA, CONGENITAL, DUE TO STEROID 11-BETA-HYDROXYLASE DEFICIENCY; 11-BETA-HYDROXYLASE DEFICIENCY. Identifiers: Orphanet 90795, MedGen C0268292, MONDO:0008729, OMIM 202010. Disease mechanism: loss of function.

Allele frequency attached by ClinVar (database versions not stated): gnomAD 0.00002 and 0.00003; ExAC 0.00003; TOPMed 0.00003; gnomAD exomes 0.00004 and 0.00009; 1000 Genomes Project 30x 0.00016; 1000 Genomes Project 0.00020.

Submissions (2):

Labcorp Genetics (formerly Invitae), Labcorp
Classification: Uncertain significance. Last evaluated: 2021-10-23. Review status: criteria provided, single submitter. Criteria: Invitae Variant Classification Sherloc (09022015). Collection method: clinical testing. Allele origin: germline.
Comment: This sequence change replaces arginine with glutamine at codon 208 of the CYP11B1 protein (p.Arg208Gln). The arginine residue is highly conserved and there is a small physicochemical difference between arginine and glutamine. This variant is present in population databases (rs200559974, ExAC 0.02%). This variant has not been reported in the literature in individuals affected with CYP11B1-related conditions. Algorithms developed to predict the effect of missense changes on protein structure and function output the following: SIFT: "Deleterious"; PolyPhen-2: "Possibly Damaging"; Align-GVGD: "Class C35". The glutamine amino acid residue is found in multiple mammalian species, which suggests that this missense change does not adversely affect protein function. In summary, the available evidence is currently insufficient to determine the role of this variant in disease. Therefore, it has been classified as a Variant of Uncertain Significance.

Molecular Endocrinology Laboratory, Christian Medical College
Classification: Uncertain significance for Deficiency of steroid 11-beta-monooxygenase. Review status: criteria provided, single submitter. Criteria: ACMG Guidelines, 2015. Collection method: clinical testing. Allele origin: germline. Affected: yes.

Literature cited by the submitters: PubMed 23940125 (cited by Molecular Endocrinology Laboratory, Christian Medical College).

NM_000497.4(CYP11B1):c.623G>A (p.Arg208Gln)

Genes: CYP11B1 (cytochrome P450 family 11 subfamily B member 1; minus strand), LOC106799833 (CYP11B1 recombination region; plus strand). Cytogenetic location: 8q24.3.
Variant type: single nucleotide variant.
Coding change: c.623G>A on transcript NM_000497.4 (MANE Select); coding-DNA position 623, G replaced by A.
Protein change: p.Arg208Gln; replaces arginine 208 with glutamine.
Molecular consequence: missense variant.
Genome position (GRCh38, 1-based): chr8:142,876,858, C>T on the plus strand (G>A on the coding strand, the complement: CYP11B1 is on the minus strand). VCF-style: chr8-142876858-C-T. GRCh37 (hg19) VCF-style: chr8-143958274-C-T.
Other names: c.623G>A, p.Arg208Gln (NM_001026213.1); short protein forms R208Q.
Identifiers: ClinVar variation 1264341 (VCV001264341.3), dbSNP rs200559974, ClinGen allele CA4905356.